The following is an entry in ClinVar:

ClinVar aggregate classification (germline): Uncertain significance. Review status: criteria provided, multiple submitters, no conflicts (2 of 4 stars). 2 submissions from 2 submitters: Uncertain significance (2). Last evaluated 2026-02-13.

Conditions:
Inborn genetic diseases. Identifiers: MedGen C0950123, MeSH D030342.

Submissions (2):

GeneDx
Classification: Uncertain significance. Last evaluated: 2026-02-13. Review status: criteria provided, single submitter. Criteria: GeneDx Variant Classification Process June 2021. Collection method: clinical testing. Allele origin: germline.
Comment: Not observed at significant frequency in large population cohorts (gnomAD); In silico analysis supports that this missense variant has a deleterious effect on protein structure/function; Has not been previously published as pathogenic or benign to our knowledge

Ambry Genetics
Classification: Uncertain significance for Inborn genetic diseases. Last evaluated: 2023-06-29. Review status: criteria provided, single submitter. Criteria: Ambry Variant Classification Scheme 2023. Collection method: clinical testing. Allele origin: germline.

NM_004606.5(TAF1):c.1396T>C (p.Tyr466His)

Gene: TAF1 (TATA-box binding protein associated factor 1; plus strand). Cytogenetic location: Xq13.1.
Variant type: single nucleotide variant.
Coding change: c.1396T>C on transcript NM_004606.5 (MANE Select); coding-DNA position 1396, T replaced by C.
Protein change: p.Tyr466His; replaces tyrosine 466 with histidine.
Molecular consequence: missense variant. On other transcripts: non-coding transcript variant (9).
Genome position (GRCh38, 1-based): chrX:71,381,778, T>C. VCF-style: chrX-71381778-T-C. GRCh37 (hg19) VCF-style: chrX-70601628-T-C.
Other names: c.1396T>C, p.Tyr466His (NM_001286074.2); c.1333T>C, p.Tyr445His (NM_138923.4); short protein forms Y466H, Y445H.
Identifiers: ClinVar variation 2608376 (VCV002608376.3), dbSNP rs2520204884, ClinGen allele CA413512580.